The following is an entry in ClinVar:

NM_030665.4(RAI1):c.4868C>A (p.Pro1623His)

Gene: RAI1 (retinoic acid induced 1; plus strand). Cytogenetic location: 17p11.2.
Variant type: single nucleotide variant.
Coding change: c.4868C>A on transcript NM_030665.4 (MANE Select); coding-DNA position 4868, C replaced by A.
Protein change: p.Pro1623His; replaces proline 1623 with histidine.
Molecular consequence: missense variant.
Genome position (GRCh38, 1-based): chr17:17,797,816, C>A. VCF-style: chr17-17797816-C-A. GRCh37 (hg19) VCF-style: chr17-17701130-C-A.
Other names: short protein forms P1623H.
Identifiers: ClinVar variation 3652728 (VCV003652728.2).
Genomic context (GRCh38, chr17:17,797,816, plus strand): 5'-AGCGAGACGCGTTCACCACCATATGCACTGTTGTCAACTCCCCTGGAGATGCGCCCAAGC[C>A]CCACAGGAAGCCTTCCTCCTCTGCCTCCTCTTCCTCATCCTCGTCCTCGTTCTCCTTGGA-3'
Protein context (NP_109590.3, residues 1613-1633): VVNSPGDAPK[Pro1623His]HRKPSSSASS

ClinVar aggregate classification (germline): Uncertain significance (1 of 4 stars; one submission).

Submission:

Labcorp Genetics (formerly Invitae), Labcorp
Classification: Uncertain significance. Last evaluated: 2024-05-28. Review status: criteria provided, single submitter. Criteria: Invitae Variant Classification Sherloc (09022015). Collection method: clinical testing. Allele origin: germline.
Comment: This sequence change replaces proline, which is neutral and non-polar, with histidine, which is basic and polar, at codon 1623 of the RAI1 protein (p.Pro1623His). This variant is not present in population databases (gnomAD no frequency). This variant has not been reported in the literature in individuals affected with RAI1-related conditions. Advanced modeling of protein sequence and biophysical properties (such as structural, functional, and spatial information, amino acid conservation, physicochemical variation, residue mobility, and thermodynamic stability) performed at Invitae indicates that this missense variant is not expected to disrupt RAI1 protein function with a negative predictive value of 80%. In summary, the available evidence is currently insufficient to determine the role of this variant in disease. Therefore, it has been classified as a Variant of Uncertain Significance.